The following is an entry in ClinVar:

ClinVar aggregate classification (germline): Benign. Review status: criteria provided, single submitter (1 of 4 stars). 2 submissions from 2 submitters: Benign (1). 1 of the submissions does not count toward it. Last evaluated 2023-05-01.

Conditions:
BCOR-related disorder. Also called: BCOR-related disorders; BCOR-related condition.
Oculofaciocardiodental syndrome (MCOPS2). Identifiers: Orphanet 2712, MedGen C1846265, MONDO:0010261, OMIM 300166.

Allele frequency attached by ClinVar (database versions not stated): gnomAD 0.00006 and 0.00009; TOPMed 0.00011; gnomAD exomes 0.00016; ExAC 0.00022; 1000 Genomes Project 30x 0.00062; 1000 Genomes Project 0.00079.
gnomAD v4.1: 93 of 1,209,196 alleles (0.0077%); highest among the groups gnomAD compares: South Asian, 0.065%; 1 homozygote.

Submissions (2):

Labcorp Genetics (formerly Invitae), Labcorp
Classification: Benign for Oculofaciocardiodental syndrome. Last evaluated: 2023-05-01. Review status: criteria provided, single submitter. Criteria: Invitae Variant Classification Sherloc (09022015). Collection method: clinical testing. Allele origin: germline.

PreventionGenetics, part of Exact Sciences
Classification: Likely benign for BCOR-related condition. Last evaluated: 2023-12-15. Review status: no assertion criteria provided. Collection method: clinical testing. Allele origin: germline. Not counted in ClinVar's aggregate classification.
Comment: This variant is classified as likely benign based on ACMG/AMP sequence variant interpretation guidelines (Richards et al. 2015 PMID: 25741868, with internal and published modifications).

NM_001123385.2(BCOR):c.4890C>T (p.Asp1630=)

Gene: BCOR (BCL6 corepressor; minus strand). Cytogenetic location: Xp11.4.
Variant type: single nucleotide variant.
Coding change: c.4890C>T on transcript NM_001123385.2 (MANE Select); coding-DNA position 4890, C replaced by T.
Protein change: p.Asp1630=; no amino-acid change (aspartic acid 1630 retained).
Molecular consequence: synonymous variant.
Genome position (GRCh38, 1-based): chrX:40,053,972, G>A on the plus strand (C>T on the coding strand, the complement: BCOR is on the minus strand). VCF-style: chrX-40053972-G-A. GRCh37 (hg19) VCF-style: chrX-39913225-G-A.
Other names: c.4788C>T, p.Asp1596= (NM_001123383.2, NM_017745.6); c.4734C>T, p.Asp1578= (NM_001123384.2).
Identifiers: ClinVar variation 697072 (VCV000697072.11), dbSNP rs750330961, ClinGen allele CA10386355.